The following is an entry in ClinVar:

NM_014249.4(NR2E3):c.1154G>C (p.Arg385Pro)

Gene: NR2E3 (nuclear receptor subfamily 2 group E member 3; plus strand). Cytogenetic location: 15q23.
Variant type: single nucleotide variant.
Coding change: c.1154G>C on transcript NM_014249.4 (MANE Select); coding-DNA position 1154, G replaced by C.
Protein change: p.Arg385Pro; replaces arginine 385 with proline.
Molecular consequence: missense variant.
Genome position (GRCh38, 1-based): chr15:71,817,605, G>C. VCF-style: chr15-71817605-G-C. GRCh37 (hg19) VCF-style: chr15-72109946-G-C.
Other names: short protein forms R385P.
Identifiers: ClinVar variation 1722982 (VCV001722982.4), dbSNP rs766769900, ClinGen allele CA7640536.
Genomic context (GRCh38, chr15:71,817,605, plus strand): 5'-TGTTCAGGTTTGGGAAATTGCTCCTGCTCCTCCCGTCTTTGAGGTTTATCACTGCGGAAC[G>C]CATCGAGCTCCTCTTTTTCCGCAAGACCATAGGGAATACTCCAATGGAGAAGCTCCTTTG-3'
Protein context (NP_055064.1, residues 375-395): LPSLRFITAE[Arg385Pro]IELLFFRKTI

ClinVar aggregate classification (germline): Conflicting classifications of pathogenicity. Review status: criteria provided, conflicting classifications (1 of 4 stars). 2 submissions from 2 submitters: Likely pathogenic (1); Uncertain significance (1). Last evaluated 2024-02-27.

Allele frequency attached by ClinVar (database versions not stated): ExAC 0.00001; TOPMed below 0.00001.

Submissions (2):

Women's Health and Genetics/Laboratory Corporation of America, LabCorp
Classification: Uncertain significance. Last evaluated: 2024-02-27. Review status: criteria provided, single submitter. Criteria: LabCorp Variant Classification Summary - May 2015. Collection method: clinical testing. Allele origin: germline.
Comment: Variant summary: NR2E3 c.1154G>C (p.Arg385Pro) results in a non-conservative amino acid change located in the Nuclear hormone receptor, ligand-binding domain (IPR000536) of the encoded protein sequence. Three of four in-silico tools predict a benign effect of the variant on protein function. The variant allele was found at a frequency of 4e-06 in 249296 control chromosomes. c.1154G>C has been reported in the literature in at-least one individual affected with enhanced S cone syndrome (example, Haider_2000), the second variant however was not provided. These report(s) do not provide unequivocal conclusions about association of the variant with Retinitis Pigmentosa. At least one publication reports experimental evidence evaluating an impact on protein function. The most pronounced variant effect results in mislocalization of the expressed protein to the cytoplasm in COS-1 cells and reduced protein binding (example, Kanda_2009). The following publications have been ascertained in the context of this evaluation (PMID: 10655056, 19898638). ClinVar contains an entry for this variant (Variation ID: 1722982). Based on the evidence outlined above, the variant was classified as VUS-possibly pathogenic.

GeneDx
Classification: Likely pathogenic. Last evaluated: 2022-05-06. Review status: criteria provided, single submitter. Criteria: GeneDx Variant Classification Process June 2021. Collection method: clinical testing. Allele origin: germline. Affected: yes.
Comment: Published functional studies demonstrate a damaging effect with loss of DNA binding activity as well as impaired dimerization and protein interaction (Kanda et al., 2009; von Alpen et al., 2015); Not observed at significant frequency in large population cohorts (gnomAD); In silico analysis supports that this missense variant has a deleterious effect on protein structure/function; This variant is associated with the following publications: (PMID: 17438525, 19718767, 19898638, 25703721, 10655056)

Literature cited by the submitters: PubMed 10655056 (cited by Women's Health and Genetics/Laboratory Corporation of America, LabCorp); PubMed 19898638 (cited by Women's Health and Genetics/Laboratory Corporation of America, LabCorp).